The following is an entry in ClinVar:

NM_020937.4(FANCM):c.3637A>G (p.Lys1213Glu)

Gene: FANCM (FA complementation group M; plus strand). Cytogenetic location: 14q21.2.
Variant type: single nucleotide variant.
Coding change: c.3637A>G on transcript NM_020937.4 (MANE Select); coding-DNA position 3637, A replaced by G.
Protein change: p.Lys1213Glu; replaces lysine 1213 with glutamic acid.
Molecular consequence: missense variant.
Genome position (GRCh38, 1-based): chr14:45,176,391, A>G. VCF-style: chr14-45176391-A-G. GRCh37 (hg19) VCF-style: chr14-45645594-A-G.
Other names: c.3559A>G, p.Lys1187Glu (NM_001308133.2); short protein forms K1187E, K1213E.
Identifiers: ClinVar variation 4254709 (VCV004254709.1).

ClinVar aggregate classification (germline): Uncertain significance (1 of 4 stars; one submission).

Conditions:
Inborn genetic diseases. Identifiers: MedGen C0950123, MeSH D030342.

Submission:

Ambry Genetics
Classification: Uncertain significance for Inborn genetic diseases. Last evaluated: 2025-08-25. Review status: criteria provided, single submitter. Criteria: Ambry Variant Classification Scheme 2023. Collection method: clinical testing. Allele origin: germline.
Comment: The p.K1213E variant (also known as c.3637A>G), located in coding exon 14 of the FANCM gene, results from an A to G substitution at nucleotide position 3637. The lysine at codon 1213 is replaced by glutamic acid, an amino acid with similar properties. This amino acid position is conserved. In addition, this alteration is predicted to be tolerated by in silico analysis. Based on the available evidence, the clinical significance of this variant remains unclear.